The following is an entry in ClinVar:

ClinVar aggregate classification (germline): Conflicting classifications of pathogenicity. Review status: criteria provided, conflicting classifications (1 of 4 stars). 2 submissions from 2 submitters: Uncertain significance (1); Likely benign (1). Last evaluated 2026-06-01.

Conditions:
Spastic paraplegia. Identifiers: MedGen C0037772, HP:0001258.

gnomAD v4.1: 10 of 1,210,371 alleles (0.00083%); highest among the groups gnomAD compares: East Asian, 0.0059%; no homozygotes.

Submissions (2):

CeGaT Center for Human Genetics Tuebingen
Classification: Likely benign. Last evaluated: 2026-06-01. Review status: criteria provided, single submitter. Criteria: CeGaT Center For Human Genetics Tuebingen Variant Classification Criteria Version 2. Collection method: clinical testing. Allele origin: germline. Affected: yes. Observed: 1 variant allele.
Comment: SLC16A2: BS2

Labcorp Genetics (formerly Invitae), Labcorp
Classification: Uncertain significance for Spastic paraplegia. Last evaluated: 2025-08-31. Review status: criteria provided, single submitter. Criteria: Invitae Variant Classification Sherloc (09022015). Collection method: clinical testing. Allele origin: germline.
Comment: This sequence change replaces valine, which is neutral and non-polar, with isoleucine, which is neutral and non-polar, at codon 497 of the SLC16A2 protein (p.Val497Ile). This variant is not present in population databases (gnomAD no frequency). This variant has not been reported in the literature in individuals affected with SLC16A2-related conditions. Invitae Evidence Modeling of protein sequence and biophysical properties (such as structural, functional, and spatial information, amino acid conservation, physicochemical variation, residue mobility, and thermodynamic stability) indicates that this missense variant is not expected to disrupt SLC16A2 protein function with a negative predictive value of 95%. In summary, the available evidence is currently insufficient to determine the role of this variant in disease. Therefore, it has been classified as a Variant of Uncertain Significance.

NM_006517.5(SLC16A2):c.1489G>A (p.Val497Ile)

Gene: SLC16A2 (solute carrier family 16 member 2; plus strand). Cytogenetic location: Xq13.2.
Variant type: single nucleotide variant.
Coding change: c.1489G>A on transcript NM_006517.5 (MANE Select); coding-DNA position 1489, G replaced by A.
Protein change: p.Val497Ile; replaces valine 497 with isoleucine.
Molecular consequence: missense variant.
Genome position (GRCh38, 1-based): chrX:74,531,422, G>A. VCF-style: chrX-74531422-G-A. GRCh37 (hg19) VCF-style: chrX-73751257-G-A.
Other names: short protein forms V497I.
Identifiers: ClinVar variation 4708329 (VCV004708329.3).
Genomic context (GRCh38, chrX:74,531,422, plus strand): 5'-CATGTGGCCTTCTACTTTGCCGGTGTGCCCCCCATCATCGGGGCTGTAATCCTCTTCTTC[G>A]TCCCTCTGATGCATCAAAGGATGTTCAAGAAAGAGCAGAGAGATTCCAGCAAGGATAAGA-3'
Protein context (NP_006508.2, residues 487-507): PIIGAVILFF[Val497Ile]PLMHQRMFKK